The following is an entry in ClinVar:

ClinVar aggregate classification (germline): Likely benign (0 of 4 stars; one submission).

Conditions:
SEMA3F-related disorder. Also called: SEMA3F-related condition.

Allele frequency attached by ClinVar (database versions not stated): ExAC 0.00013; 1000 Genomes Project 0.00020; 1000 Genomes Project 30x 0.00031; gnomAD 0.00033; TOPMed 0.00037; ESP Exome Variant Server 0.00046.
gnomAD v4.1: 102 of 1,611,944 alleles (0.0063%); highest among the groups gnomAD compares: African/African-American, 0.1%; no homozygotes.

Submission:

PreventionGenetics, part of Exact Sciences
Classification: Likely benign for SEMA3F-related condition. Last evaluated: 2021-12-02. Review status: no assertion criteria provided. Collection method: clinical testing. Allele origin: germline.
Comment: This variant is classified as likely benign based on ACMG/AMP sequence variant interpretation guidelines (Richards et al. 2015 PMID: 25741868, with internal and published modifications).

NM_004186.5(SEMA3F):c.87G>A (p.Thr29=)

Gene: SEMA3F (semaphorin 3F; plus strand). Cytogenetic location: 3p21.31.
Variant type: single nucleotide variant.
Coding change: c.87G>A on transcript NM_004186.5 (MANE Select); coding-DNA position 87, G replaced by A.
Protein change: p.Thr29=; no amino-acid change (threonine 29 retained).
Molecular consequence: synonymous variant. On other transcripts: 5 prime UTR variant (1).
Genome position (GRCh38, 1-based): chr3:50,159,709, G>A. VCF-style: chr3-50159709-G-A. GRCh37 (hg19) VCF-style: chr3-50197142-G-A.
Other names: c.-118G>A (NM_001318798.2); c.87G>A, p.Thr29= (NM_001318800.2).
Identifiers: ClinVar variation 3046469 (VCV003046469.2), dbSNP rs150227868, ClinGen allele CA2411617.
Genomic context (GRCh38, chr3:50,159,709, plus strand): 5'-GGCTTCCCTACTGACCGGGGCCTGGCCATCCTTCCCCACCCAGGACCACCTCCCGGCCAC[G>A]CCCCGGGTCCGGCTCTCATTCAAAGGTAAGAAGCTGTTTTGTTCTTCCCCAGAAATCATC-3'
Protein context (NP_004177.3, residues 19-39): SFPTQDHLPA[Thr29=]PRVRLSFKEL